The following is an entry in ClinVar:

NM_000489.6(ATRX):c.4699+3A>G

Gene: ATRX (ATRX chromatin remodeler; minus strand). Cytogenetic location: Xq21.1.
Variant type: single nucleotide variant.
Coding change: c.4699+3A>G on transcript NM_000489.6 (MANE Select); 3 bases into the intron after coding-DNA position 4699, A replaced by G.
Molecular consequence: intron variant.
Genome position (GRCh38, 1-based): chrX:77,635,912, T>C on the plus strand (A>G on the coding strand, the complement: ATRX is on the minus strand). VCF-style: chrX-77635912-T-C. GRCh37 (hg19) VCF-style: chrX-76891403-T-C.
Other names: c.4585+3A>G (NM_138270.5).
Identifiers: ClinVar variation 2094236 (VCV002094236.4), dbSNP rs782526797, ClinGen allele CA10457769.
Genomic context (GRCh38, chrX:77,635,912, plus strand): 5'-CTCACACCCAAATATTGGTAAAAATTTAACTAAAAATTATTGAATCATCTAATAGTTTCT[T>C]ACCATCTACTTGATGGGGTTTCAATTTGATAACCATATTTCTATGAACCTGCACTAAAGG-3'

ClinVar aggregate classification (germline): Uncertain significance (1 of 4 stars; one submission).

Conditions:
Alpha thalassemia-X-linked intellectual disability syndrome (ATRX). Also called: ALPHA-THALASSEMIA/MENTAL RETARDATION SYNDROME, X-LINKED; ATR, NONDELETION TYPE; ATR-X syndrome; Alpha thalassemia mental retardation syndrome, nondeletion type, X-linked; XLMR hypotonic face syndrome; X-linked alpha-thalassemia-mental retardation syndrome. Identifiers: Orphanet 847, MedGen C1845055, MONDO:0010519, OMIM 301040.

Allele frequency attached by ClinVar (database versions not stated): TOPMed below 0.00001.

Submission:

Labcorp Genetics (formerly Invitae), Labcorp
Classification: Uncertain significance for Alpha thalassemia-X-linked intellectual disability syndrome. Last evaluated: 2022-02-06. Review status: criteria provided, single submitter. Criteria: Invitae Variant Classification Sherloc (09022015). Collection method: clinical testing. Allele origin: germline.
Comment: Variants that disrupt the consensus splice site are a relatively common cause of aberrant splicing (PMID: 17576681, 9536098). Algorithms developed to predict the effect of sequence changes on RNA splicing suggest that this variant may disrupt the consensus splice site. In summary, the available evidence is currently insufficient to determine the role of this variant in disease. Therefore, it has been classified as a Variant of Uncertain Significance. This sequence change falls in intron 16 of the ATRX gene. It does not directly change the encoded amino acid sequence of the ATRX protein. It affects a nucleotide within the consensus splice site. This variant is not present in population databases (gnomAD no frequency). This variant has not been reported in the literature in individuals affected with ATRX-related conditions.

Literature cited by the submitters: PubMed 17576681; PubMed 9536098.